The following is an entry in ClinVar:

NM_001114753.3(ENG):c.1096G>C (p.Asp366His)

Gene: ENG (endoglin; minus strand). Cytogenetic location: 9q34.11.
Variant type: single nucleotide variant.
Coding change: c.1096G>C on transcript NM_001114753.3 (MANE Select); coding-DNA position 1096, G replaced by C.
Protein change: p.Asp366His; replaces aspartic acid 366 with histidine.
Molecular consequence: missense variant.
Genome position (GRCh38, 1-based): chr9:127,824,342, C>G on the plus strand (G>C on the coding strand, the complement: ENG is on the minus strand). VCF-style: chr9-127824342-C-G. GRCh37 (hg19) VCF-style: chr9-130586621-C-G.
Other names: p.D366H:GAC>CAC; c.1096G>C, p.Asp366His (NM_000118.4, NM_001406715.1); c.550G>C, p.Asp184His (NM_001278138.2); short protein forms D366H, D184H.
Identifiers: ClinVar variation 163406 (VCV000163406.41), dbSNP rs1800956, ClinGen allele CA295468.
Genomic context (GRCh38, chr9:127,824,342, plus strand): 5'-AGAGGGGCAGGAGTTCCCTTACCGCAACAAGCTCTTTCTTTAGTACCAGGGTCATGGCGT[C>G]GTCGGCACACTTTGTCTGGATCAAGGACATGAGCAGCTCCGGGCTACAAGTGTCCTTGGG-3'
Protein context (NP_001108225.1, residues 356-376): MSLIQTKCAD[Asp366His]AMTLVLKKEL

ClinVar aggregate classification (germline): Benign/Likely benign. Review status: criteria provided, multiple submitters, no conflicts (2 of 4 stars). 14 submissions from 14 submitters: Benign (6); Likely benign (2). 6 of the submissions do not count toward it. Last evaluated 2026-02-03.

Conditions:
Hereditary hemorrhagic telangiectasia (HHT). Also called: Osler hemorrhagic telangiectasia syndrome; ORW DISEASE; Osler Weber Rendu syndrome; OSLER-RENDU-WEBER DISEASE. Identifiers: Orphanet 774, MedGen C0039445, MONDO:0019180. Disease mechanism: loss of function.
ENG-related disorder. Also called: ENG-related disorders; ENG-related condition.
Cardiovascular phenotype. Identifiers: MedGen CN230736.
Pulmonary arterial hypertension. Identifiers: Orphanet 182090, MedGen C2973725, MeSH D000081029, MONDO:0015924, HP:0002092.
Telangiectasia, hereditary hemorrhagic, type 1 (HHT1). Also called: Osler Weber Rendu syndrome type 1; ENG-Related Hereditary Hemorrhagic Telangiectasia. Identifiers: Orphanet 774, MedGen C4551861, MONDO:0008535, OMIM 187300. Disease mechanism: loss of function.

Allele frequency attached by ClinVar (database versions not stated): ESP Exome Variant Server 0.00077; gnomAD 0.00465 and 0.00353; TOPMed 0.00529; 1000 Genomes Project 30x 0.02249; 1000 Genomes Project 0.02356.
gnomAD v4.1: 6,438 of 1,613,884 alleles (0.4%); highest among the groups gnomAD compares: East Asian, 8.5%; 233 homozygotes.

Submissions (14):

Labcorp Genetics (formerly Invitae), Labcorp
Classification: Benign for Hereditary hemorrhagic telangiectasia. Last evaluated: 2026-02-03. Review status: criteria provided, single submitter. Criteria: Invitae Variant Classification Sherloc (09022015). Collection method: clinical testing. Allele origin: germline.

ARUP Laboratories, Molecular Genetics and Genomics, ARUP Laboratories
Classification: Benign for Telangiectasia, hereditary hemorrhagic, type 1. Last evaluated: 2025-05-15. Review status: criteria provided, single submitter. Criteria: ARUP Molecular Germline Variant Investigation Process 2024. Collection method: clinical testing. Allele origin: germline.

Blueprint Genetics
Classification: Likely benign. Last evaluated: 2024-11-27. Review status: criteria provided, single submitter. Criteria: ACMG Guidelines, 2015. Collection method: clinical testing. Allele origin: germline.

Mayo Clinic Laboratories, Mayo Clinic
Classification: Benign. Last evaluated: 2021-03-31. Review status: criteria provided, single submitter. Criteria: ACMG Guidelines, 2015. Collection method: clinical testing. Allele origin: germline. Observed: 9 variant alleles.

Ambry Genetics
Classification: Benign for Cardiovascular phenotype. Last evaluated: 2015-09-16. Review status: criteria provided, single submitter. Criteria: Ambry Variant Classification Scheme 2023. Collection method: clinical testing. Allele origin: germline.

GeneDx
Classification: Benign. Last evaluated: 2015-07-07. Review status: criteria provided, single submitter. Criteria: GeneDx Variant Classification (06012015). Collection method: clinical testing. Allele origin: germline. Affected: yes.
Comment: This variant is considered likely benign or benign based on one or more of the following criteria: it is a conservative change, it occurs at a poorly conserved position in the protein, it is predicted to be benign by multiple in silico algorithms, and/or has population frequency not consistent with disease.

Laboratory for Molecular Medicine, Mass General Brigham Personalized Medicine
Classification: Benign. Last evaluated: 2014-09-04. Review status: criteria provided, single submitter. Criteria: LMM Criteria. Collection method: clinical testing. Allele origin: germline. Observed: 1 variant allele.
Comment: Asp366His in exon 8 of ENG: This variant is not expected to have clinical signif icance because it has been identified in 10.5% (60/572) of Asian chromosomes by the 1000 Genomes Project (dbSNP rs1800956).

Breakthrough Genomics
Classification: Likely benign. Review status: criteria provided, single submitter. Criteria: ACMG Guidelines, 2015. Collection method: not provided. Allele origin: germline. Inheritance: Autosomal dominant inheritance. Affected: yes.

John Welsh Cardiovascular Diagnostic Laboratory, Baylor College of Medicine
Classification: Benign for Pulmonary arterial hypertension. Last evaluated: 2022-09-26. Review status: no assertion criteria provided. Criteria: ACMG Guidelines, 2015. Collection method: clinical testing. Allele origin: germline. Not counted in ClinVar's aggregate classification.

PreventionGenetics, part of Exact Sciences
Classification: Benign for ENG-related condition. Last evaluated: 2022-08-07. Review status: no assertion criteria provided. Collection method: clinical testing. Allele origin: germline. Not counted in ClinVar's aggregate classification.
Comment: This variant is classified as benign based on ACMG/AMP sequence variant interpretation guidelines (Richards et al. 2015 PMID: 25741868, with internal and published modifications).

Clinical Genetics, Academic Medical Center
Classification: Benign. Review status: no assertion criteria provided. Collection method: clinical testing. Allele origin: germline. Affected: yes. Study: VKGL Data-share Consensus. Not counted in ClinVar's aggregate classification.

Genome Diagnostics Laboratory, Amsterdam University Medical Center
Classification: Likely benign. Review status: no assertion criteria provided. Collection method: clinical testing. Allele origin: germline. Affected: yes. Study: VKGL Data-share Consensus. Not counted in ClinVar's aggregate classification.

Genome Diagnostics Laboratory, University Medical Center Utrecht
Classification: Benign. Review status: no assertion criteria provided. Collection method: clinical testing. Allele origin: germline. Affected: yes. Study: VKGL Data-share Consensus. Not counted in ClinVar's aggregate classification.

Laboratory of Diagnostic Genome Analysis, Leiden University Medical Center (LUMC)
Classification: Likely benign. Review status: no assertion criteria provided. Collection method: clinical testing. Allele origin: germline. Affected: yes. Study: VKGL Data-share Consensus. Not counted in ClinVar's aggregate classification.